The following is an entry in ClinVar:

ClinVar aggregate classification (germline): Benign/Likely benign. Review status: criteria provided, multiple submitters, no conflicts (2 of 4 stars). 5 submissions from 5 submitters: Benign (2); Likely benign (2). 1 of the submissions does not count toward it. Last evaluated 2026-07-01.

Conditions:
PTPRO-related disorder. Also called: PTPRO-related condition.

Allele frequency attached by ClinVar (database versions not stated): 1000 Genomes Project 30x 0.00109; 1000 Genomes Project 0.00120.
gnomAD v4.1: 859 of 1,613,976 alleles (0.053%); highest among the groups gnomAD compares: Admixed American, 1.3%; 7 homozygotes.

Submissions (5):

CeGaT Center for Human Genetics Tuebingen
Classification: Likely benign. Last evaluated: 2026-07-01. Review status: criteria provided, single submitter. Criteria: CeGaT Center For Human Genetics Tuebingen Variant Classification Criteria Version 2. Collection method: clinical testing. Allele origin: germline. Affected: yes. Observed: 1 variant allele.
Comment: PTPRO: BP4, BS1

Labcorp Genetics (formerly Invitae), Labcorp
Classification: Benign. Last evaluated: 2026-01-22. Review status: criteria provided, single submitter. Criteria: Invitae Variant Classification Sherloc (09022015). Collection method: clinical testing. Allele origin: germline.

Blueprint Genetics
Classification: Likely benign. Last evaluated: 2024-10-29. Review status: criteria provided, single submitter. Criteria: ACMG Guidelines, 2015. Collection method: clinical testing. Allele origin: germline.

Breakthrough Genomics
Classification: Benign. Review status: criteria provided, single submitter. Criteria: ACMG Guidelines, 2015. Collection method: not provided. Allele origin: germline. Inheritance: Autosomal recessive inheritance. Affected: yes.

PreventionGenetics, part of Exact Sciences
Classification: Benign for PTPRO-related condition. Last evaluated: 2020-04-11. Review status: no assertion criteria provided. Collection method: clinical testing. Allele origin: germline. Not counted in ClinVar's aggregate classification.
Comment: This variant is classified as benign based on ACMG/AMP sequence variant interpretation guidelines (Richards et al. 2015 PMID: 25741868, with internal and published modifications).

NM_030667.3(PTPRO):c.3222C>A (p.Asp1074Glu)

Gene: PTPRO (protein tyrosine phosphatase receptor type O; plus strand). Cytogenetic location: 12p12.3.
Variant type: single nucleotide variant.
Coding change: c.3222C>A on transcript NM_030667.3 (MANE Select); coding-DNA position 3222, C replaced by A.
Protein change: p.Asp1074Glu; replaces aspartic acid 1074 with glutamic acid.
Molecular consequence: missense variant.
Genome position (GRCh38, 1-based): chr12:15,581,768, C>A. VCF-style: chr12-15581768-C-A. GRCh37 (hg19) VCF-style: chr12-15734702-C-A.
Other names: c.3138C>A, p.Asp1046Glu (NM_002848.4); c.705C>A, p.Asp235Glu (NM_030668.3, NM_030670.3); c.789C>A, p.Asp263Glu (NM_030669.3, NM_030671.3); c.3222C>A (NM_030667.2); short protein forms D1046E, D1074E, D235E, D263E.
Identifiers: ClinVar variation 1578880 (VCV001578880.12), dbSNP rs144347297, ClinGen allele CA6467117.